The following is an entry in ClinVar:

NM_000260.4(MYO7A):c.1955G>A (p.Cys652Tyr)

Gene: MYO7A (myosin VIIA; plus strand). Cytogenetic location: 11q13.5.
Variant type: single nucleotide variant.
Coding change: c.1955G>A on transcript NM_000260.4 (MANE Select); coding-DNA position 1955, G replaced by A.
Protein change: p.Cys652Tyr; replaces cysteine 652 with tyrosine.
Molecular consequence: missense variant.
Genome position (GRCh38, 1-based): chr11:77,174,775, G>A. VCF-style: chr11-77174775-G-A. GRCh37 (hg19) VCF-style: chr11-76885821-G-A.
Other names: c.1955G>A, p.Cys652Tyr (NM_001127180.2); c.1922G>A, p.Cys641Tyr (NM_001369365.1); short protein forms C641Y, C652Y.
Identifiers: ClinVar variation 3250294 (VCV003250294.6), dbSNP rs1954474030.

ClinVar aggregate classification (germline): Conflicting classifications of pathogenicity. Review status: criteria provided, conflicting classifications (1 of 4 stars). 6 submissions from 6 submitters: Likely pathogenic (4); Uncertain significance (2). Last evaluated 2026-08-19.

Conditions:
Usher syndrome type 1 (USH1). Also called: RETINITIS PIGMENTOSA AND CONGENITAL DEAFNESS. Identifiers: Orphanet 231169, Orphanet 886, MedGen C1568247, MONDO:0010168, OMIM 276900.
Retinal dystrophy. Also called: Inherited retinal dystrophy. Identifiers: Orphanet 71862, MedGen C0854723, MeSH D058499, MONDO:0019118, HP:0000556.
Autosomal dominant nonsyndromic hearing loss 11. Identifiers: Orphanet 90635, MedGen C1832475, MONDO:0011032, OMIM 601317.
Autosomal recessive nonsyndromic hearing loss 2. Also called: DEAFNESS, AUTOSOMAL RECESSIVE 2; NEUROSENSORY NONSYNDROMIC RECESSIVE DEAFNESS 2. Identifiers: Orphanet 90636, MedGen C1838701, MONDO:0010807, OMIM 600060.

Allele frequency attached by ClinVar (database versions not stated): TOPMed below 0.00001.

Submissions (6):

Myriad Genetics, Inc.
Classification: Uncertain significance for Usher syndrome type 1. Last evaluated: 2026-08-19. Review status: criteria provided, single submitter. Criteria: Myriad Autosomal Dominant, Autosomal Recessive and X-Linked Classification Criteria (2023). Collection method: clinical testing. Allele origin: unknown.
Comment: NM_000260.3(MYO7A):c.1955G>A(C652Y) is a missense variant classified as a variant of uncertain significance in the context of MYO7A-related disorders. C652Y has been observed in a case with relevant disease (PMID: 29178603, 30358468, 34948090, 39462066). Relevant functional assessments of this variant are not available in the literature. C652Y has not been observed in referenced population frequency databases. In summary, there is insufficient evidence to classify NM_000260.3(MYO7A):c.1955G>A(C652Y) as pathogenic or benign. Please note: this variant was assessed in the context of healthy population screening.

Centre of Medical Genetics, University Hospital Muenster
Classification: Likely pathogenic. Last evaluated: 2025-08-06. Review status: criteria provided, single submitter. Criteria: ACMG Guidelines, 2015. Collection method: clinical testing. Allele origin: unknown. Affected: yes. Observed: 1 variant allele, 1 heterozygote.
Comment: ACMG categories: PM2_sup,PM3,PM5,PP3,PP4

Institute of Medical Genetics and Applied Genomics, University Hospital Tübingen
Classification: Likely pathogenic for Usher syndrome type 1. Last evaluated: 2025-02-19. Review status: criteria provided, single submitter. Criteria: ACMG Guidelines, 2015. Collection method: clinical testing. Allele origin: germline. Inheritance: Autosomal recessive inheritance. Affected: yes.

Fulgent Genetics
Classification: Likely pathogenic for Usher syndrome type 1; Autosomal recessive nonsyndromic hearing loss 2; Autosomal dominant nonsyndromic hearing loss 11. Last evaluated: 2024-04-20. Review status: criteria provided, single submitter. Criteria: ACMG Guidelines, 2015. Collection method: clinical testing. Allele origin: germline.

Women's Health and Genetics/Laboratory Corporation of America, LabCorp
Classification: Uncertain significance. Last evaluated: 2024-04-17. Review status: criteria provided, single submitter. Criteria: LabCorp Variant Classification Summary - May 2015. Collection method: clinical testing. Allele origin: germline.
Comment: Variant summary: MYO7A c.1955G>A (p.Cys652Tyr) results in a non-conservative amino acid change located in the Myosin head, motor domain (IPR001609) of the encoded protein sequence. Five of five in-silico tools predict a damaging effect of the variant on protein function. The variant was absent in 227028 control chromosomes. The available data on variant occurrences in the general population are insufficient to allow any conclusion about variant significance. c.1955G>A has been reported in the literature as a biallelic compound heterozygous genotype in at-least one sporadic deaf proband (He_2018) and as a presumed compound heterozygous genotype without familial segregation studies performed in one individual from a Usher Syndrome referral cohort (example, He_2018, Mansard_2021). These data do not allow any conclusion about variant significance. To our knowledge, no experimental evidence demonstrating an impact on protein function has been reported. The following publications have been ascertained in the context of this evaluation (PMID: 29178603, 30358468, 35453549, 34948090). No submitters have cited clinical-significance assessments for this variant to ClinVar. Based on the evidence outlined above, the variant was classified as uncertain significance.

Institute of Human Genetics, Univ. Regensburg, Univ. Regensburg
Classification: Likely pathogenic for Retinal dystrophy. Last evaluated: 2018-01-01. Review status: criteria provided, single submitter. Criteria: ACMG Guidelines, 2015. Collection method: clinical testing. Allele origin: germline. Affected: yes.

Literature cited by the submitters: PubMed 29178603 (cited by 3 submitters); PubMed 30358468 (cited by Myriad Genetics, Inc. and Women's Health and Genetics/Laboratory Corporation of America, LabCorp); PubMed 34948090 (cited by Myriad Genetics, Inc. and Women's Health and Genetics/Laboratory Corporation of America, LabCorp); PubMed 39462066 (cited by Myriad Genetics, Inc.); PubMed 35453549 (cited by Women's Health and Genetics/Laboratory Corporation of America, LabCorp); PubMed 3494809 (cited by Institute of Human Genetics, Univ. Regensburg, Univ. Regensburg).